The following continues an entry in ClinVar:

NM_058216.3(RAD51C):c.904+5G>T

Gene: RAD51C. ClinVar aggregate classification (germline): Pathogenic/Likely pathogenic. Pathogenic (4); Likely pathogenic (13).

Submissions 10 to 23 of 23:

Baylor Genetics
Classification: Likely pathogenic for Breast-ovarian cancer, familial, susceptibility to, 3. Last evaluated: 2024-03-29. Review status: criteria provided, single submitter. Criteria: ACMG Guidelines, 2015. Collection method: clinical testing. Allele origin: unknown.

Myriad Genetics, Inc.
Classification: Likely pathogenic for Breast-ovarian cancer, familial, susceptibility to, 3. Last evaluated: 2024-01-03. Review status: criteria provided, single submitter. Criteria: Myriad Autosomal Dominant, Autosomal Recessive and X-Linked Classification Criteria (2023). Collection method: clinical testing. Allele origin: unknown.
Comment: This variant is considered likely pathogenic. mRNA analysis has demonstrated abnormal mRNA splicing occurs [PMID: 20400964].

Fulgent Genetics
Classification: Likely pathogenic for Fanconi anemia complementation group O; Breast-ovarian cancer, familial, susceptibility to, 3. Last evaluated: 2023-12-30. Review status: criteria provided, single submitter. Criteria: ACMG Guidelines, 2015. Collection method: clinical testing. Allele origin: germline.

CeGaT Center for Human Genetics Tuebingen
Classification: Likely pathogenic. Last evaluated: 2022-06-01. Review status: criteria provided, single submitter. Criteria: CeGaT Center For Human Genetics Tuebingen Variant Classification Criteria Version 2. Collection method: clinical testing. Allele origin: germline. Affected: yes. Observed: 1 variant allele.
Comment: RAD51C: PM2, PS3:Moderate, PP1, PP3

GeneDx
Classification: Likely pathogenic. Last evaluated: 2021-09-24. Review status: criteria provided, single submitter. Criteria: GeneDx Variant Classification Process June 2021. Collection method: clinical testing. Allele origin: germline. Affected: yes.
Comment: Intronic +5 splice site variant in a gene for which loss-of-function is a known mechanism of disease, and both in silico predictors and evolutionary conservation support a deleterious effect; Observed in individuals with a personal history of breast and/or ovarian cancer as well as other cancers (Meindl 2010, Loveday 2012, Waszak 2018, Tsaousis 2019, Guglielmi 2021); Not observed at a significant frequency in large population cohorts (Lek et al., 2016); This variant is associated with the following publications: (PMID: 24993905, 23117857, 25470109, 25525159, 22538716, 20400964, 29753700, 31159747, 31300551, 31843900, 32359370, 30949688, 31589614, 32885271, 34299313)

CHEO Genetics Diagnostic Laboratory, Children's Hospital of Eastern Ontario
Classification: Likely pathogenic for Breast and/or ovarian cancer. Last evaluated: 2021-04-28. Review status: criteria provided, single submitter. Criteria: ACMG Guidelines, 2015. Collection method: clinical testing. Allele origin: germline.

GeneKor MSA
Classification: Likely pathogenic. Last evaluated: 2021-01-09. Review status: criteria provided, single submitter. Criteria: ACMG Guidelines, 2015. Collection method: clinical testing. Allele origin: germline.
Comment: This variant is a substitution of the fifth nucleotide of intron 6 of the RAD51C gene. This location is highly conserved in human and other genomes. It causes incorrect splicing of the mRNA produced by this allele and deletion of the entire exon. Thus, the protein produced is truncated and non functional (PMID: 20400964). The mutation has been described in literature in patients with breast and ovarian cancer (PMID: 22538716, PMID: 20400964). The mutation database ClinVar contains an entry for this variant (Variation ID: 142762).

Institute of Medical Genetics and Applied Genomics, University Hospital Tübingen
Classification: Likely pathogenic. Last evaluated: 2020-10-23. Review status: criteria provided, single submitter. Criteria: ACMG Guidelines, 2015. Collection method: clinical testing. Allele origin: germline. Inheritance: Unknown mechanism. Affected: yes.

Leiden Open Variation Database
Classification: Pathogenic. Last evaluated: 2019-12-23. Review status: no assertion criteria provided. Collection method: curation. Allele origin: germline. Affected: yes. Not counted in ClinVar's aggregate classification.
Comment: Curator: Arleen D. Auerbach. Submitters to LOVD: Florentia Fostira, Johan den Dunnen.

King Laboratory, University of Washington
Classification: Pathogenic for Hereditary site-specific ovarian cancer syndrome. Last evaluated: 2019-09-01. Review status: no assertion criteria provided. Collection method: research. Allele origin: germline. Affected: yes. Not counted in ClinVar's aggregate classification.
Comment: Transcript analysis by cBROCA

OMIM
Classification: risk factor for BREAST-OVARIAN CANCER, FAMILIAL, SUSCEPTIBILITY TO, 3. Last evaluated: 2010-05-01. Review status: no assertion criteria provided. Collection method: literature only. Allele origin: germline. Not counted in ClinVar's aggregate classification.

Department of Pathology and Laboratory Medicine, Sinai Health System
Classification: Likely pathogenic for Breast-ovarian cancer, familial, susceptibility to, 3. Review status: no assertion criteria provided. Collection method: clinical testing. Allele origin: unknown. Affected: yes. Study: The Canadian Open Genetics Repository (COGR). Not counted in ClinVar's aggregate classification.
Comment: The RAD51C c.904+5G>T variant was identified in 3 of 4986 proband chromosomes (frequency: 0.0006) from individuals or families with HBOC and was not identified in 8536 control chromosomes from healthy individuals (Loveday 2012,Meindl 2009 ,Kushnir 2012). The variant was also identified in dbSNP (ID: rs587782702) as "With Likely pathogenic allele", ClinVar (5x Likely Pathogenic by Invitae, Ambry Genetics, GeneDx and two other clinical laboratory, 1x risk factor by OMIM) and LOVD 3.0. The variant was identified in control databases in 4 of 245382 chromosomes at a frequency of 0.00002 (Genome Aggregation Database Feb 27, 2017). The variant was observed in the following populations: European in 4 of 111496 chromosomes (freq: 0.00004), while it was not observed in the African, Other, Latino, Ashkenazi Jewish, East Asian, Finnish and South Asian populations. A functional study demonstrated that RT-PCR analysis of RNA transfected in a mini-gene assay revealed exclusion of exon 6 with the splice donor mutation compared to wild type 5' splice site. In addition, the variant was identified in a family pedigree that demonstrated disease segregation (Meindl 2009). The c.904+5G>T variant is located in the 5' splice region but does not affect the invariant +1 and +2 positions. However, positions +3 to +6 are part of the splicing consensus sequence and variants involving these positions sometimes affect splicing. In addition, 3 of 3 in silico or computational prediction software programs (SpliceSiteFinder, MaxEntScan, NNSPLICE) predict a greater than 10% difference in splicing. In summary, based on the above information this variant meets our laboratory's criteria to be classified as likely pathogenic.

Diagnostic Laboratory, Department of Genetics, University Medical Center Groningen
Classification: Pathogenic. Review status: no assertion criteria provided. Collection method: clinical testing. Allele origin: germline. Affected: yes. Study: VKGL Data-share Consensus. Not counted in ClinVar's aggregate classification.

Joint Genome Diagnostic Labs from Nijmegen and Maastricht, Radboudumc and MUMC+
Classification: Likely pathogenic. Review status: no assertion criteria provided. Collection method: clinical testing. Allele origin: germline. Affected: yes. Study: VKGL Data-share Consensus. Not counted in ClinVar's aggregate classification.

Literature cited by the submitters: PubMed 20400964 (cited by 9 submitters); PubMed 22538716 (cited by 5 submitters); PubMed 30128536 (cited by Women's Health and Genetics/Laboratory Corporation of America, LabCorp); PubMed 24993905 (cited by 3 submitters); PubMed 31300551 (cited by 5 submitters); PubMed 32885271 (cited by 4 submitters); PubMed 17576681 (cited by Labcorp Genetics (formerly Invitae), Labcorp); PubMed 9536098 (cited by Labcorp Genetics (formerly Invitae), Labcorp); PubMed 31843900 (cited by 5 submitters); PubMed 21537932 (cited by Ambry Genetics and Quest Diagnostics Nichols Institute San Juan Capistrano); PubMed 23117857 (cited by Ambry Genetics and Quest Diagnostics Nichols Institute San Juan Capistrano); PubMed 25470109 (cited by Ambry Genetics and Center for Genomic Medicine, Rigshospitalet, Copenhagen University Hospital); PubMed 25525159 (cited by Ambry Genetics); PubMed 34299313 (cited by Color Diagnostics, LLC DBA Color Health and Quest Diagnostics Nichols Institute San Juan Capistrano); PubMed 35261632 (cited by Color Diagnostics, LLC DBA Color Health and Quest Diagnostics Nichols Institute San Juan Capistrano); PubMed 35734982 (cited by Color Diagnostics, LLC DBA Color Health and Quest Diagnostics Nichols Institute San Juan Capistrano).